The following is an entry in ClinVar:

NM_203446.3(SYNJ1):c.1957G>A (p.Val653Ile)

Gene: SYNJ1 (synaptojanin 1; minus strand). Cytogenetic location: 21q22.11.
Variant type: single nucleotide variant.
Coding change: c.1957G>A on transcript NM_203446.3 (MANE Select); coding-DNA position 1957, G replaced by A.
Protein change: p.Val653Ile; replaces valine 653 with isoleucine.
Molecular consequence: missense variant.
Genome position (GRCh38, 1-based): chr21:32,666,131, C>T on the plus strand (G>A on the coding strand, the complement: SYNJ1 is on the minus strand). VCF-style: chr21-32666131-C-T. GRCh37 (hg19) VCF-style: chr21-34038441-C-T.
Other names: c.1957G>A, p.Val653Ile (NM_001160302.2); c.1942G>A, p.Val648Ile (NM_001160306.2); c.2074G>A, p.Val692Ile (NM_003895.4); short protein forms V653I, V692I, V648I.
Identifiers: ClinVar variation 847083 (VCV000847083.10), dbSNP rs1456047190, ClinGen allele CA410080108.

ClinVar aggregate classification (germline): Uncertain significance (1 of 4 stars; one submission).

Conditions:
Developmental and epileptic encephalopathy, 53. Also called: Epileptic encephalopathy, early infantile, 53. Identifiers: MedGen C4479313, MONDO:0033362, OMIM 617389.
Early-onset Parkinson disease 20. Also called: PARKINSON DISEASE 20, AUTOSOMAL RECESSIVE EARLY-ONSET. Identifiers: Orphanet 391411, MedGen C3809824, MONDO:0014233, OMIM 615530.

Submission:

Labcorp Genetics (formerly Invitae), Labcorp
Classification: Uncertain significance for Developmental and epileptic encephalopathy, 53; Early-onset Parkinson disease 20. Last evaluated: 2020-03-05. Review status: criteria provided, single submitter. Criteria: Invitae Variant Classification Sherloc (09022015). Collection method: clinical testing. Allele origin: germline.
Comment: In summary, the available evidence is currently insufficient to determine the role of this variant in disease. Therefore, it has been classified as a Variant of Uncertain Significance. This sequence change replaces valine with isoleucine at codon 692 of the SYNJ1 protein (p.Val692Ile). The valine residue is highly conserved and there is a small physicochemical difference between valine and isoleucine. This variant is not present in population databases (ExAC no frequency). This variant has not been reported in the literature in individuals with SYNJ1-related disease. Algorithms developed to predict the effect of missense changes on protein structure and function are either unavailable or do not agree on the potential impact of this missense change (SIFT: "Tolerated"; PolyPhen-2: "Probably Damaging"; Align-GVGD: "Class C0").